The following is an entry in ClinVar:

ClinVar aggregate classification (germline): Likely benign (0 of 4 stars; one submission).

Conditions:
DMBT1-related disorder. Also called: DMBT1-related condition.

Allele frequency attached by ClinVar (database versions not stated): ExAC 0.00030; ESP Exome Variant Server 0.00058; gnomAD 0.00069; TOPMed 0.00081; 1000 Genomes Project 0.00120; 1000 Genomes Project 30x 0.00125.
gnomAD v4.1: 327 of 1,613,980 alleles (0.02%); highest among the groups gnomAD compares: African/African-American, 0.19%; 1 homozygote.

Submission:

PreventionGenetics, part of Exact Sciences
Classification: Likely benign for DMBT1-related condition. Last evaluated: 2019-03-26. Review status: no assertion criteria provided. Collection method: clinical testing. Allele origin: germline.
Comment: This variant is classified as likely benign based on ACMG/AMP sequence variant interpretation guidelines (Richards et al. 2015 PMID: 25741868, with internal and published modifications).

NM_001377530.1(DMBT1):c.6462C>T (p.Pro2154=)

Gene: DMBT1 (deleted in malignant brain tumors 1; plus strand). Cytogenetic location: 10q26.13.
Variant type: single nucleotide variant.
Coding change: c.6462C>T on transcript NM_001377530.1 (MANE Select); coding-DNA position 6462, C replaced by T.
Protein change: p.Pro2154=; no amino-acid change (proline 2154 retained).
Molecular consequence: synonymous variant.
Genome position (GRCh38, 1-based): chr10:122,633,255, C>T. VCF-style: chr10-122633255-C-T. GRCh37 (hg19) VCF-style: chr10-124392771-C-T.
Other names: c.6072C>T, p.Pro2024= (NM_001320644.2); c.4191C>T, p.Pro1397= (NM_004406.3); c.6075C>T, p.Pro2025= (NM_007329.3); c.6045C>T, p.Pro2015= (NM_017579.3).
Identifiers: ClinVar variation 3058698 (VCV003058698.2), dbSNP rs370908594, ClinGen allele CA5728277.